The following is an entry in ClinVar:

ClinVar aggregate classification (germline): Uncertain significance (1 of 4 stars; one submission).

Conditions:
Rhabdoid tumor predisposition syndrome 2 (RTPS2). Identifiers: Orphanet 231108, Orphanet 69077, MedGen C2750074, MONDO:0013224, OMIM 613325.

Submission:

Labcorp Genetics (formerly Invitae), Labcorp
Classification: Uncertain significance for Rhabdoid tumor predisposition syndrome 2. Last evaluated: 2024-10-15. Review status: criteria provided, single submitter. Criteria: Invitae Variant Classification Sherloc (09022015). Collection method: clinical testing. Allele origin: germline.
Comment: This sequence change replaces glutamine, which is neutral and polar, with histidine, which is basic and polar, at codon 675 of the SMARCA4 protein (p.Gln675His). This variant is not present in population databases (gnomAD no frequency). This variant has not been reported in the literature in individuals affected with SMARCA4-related conditions. Invitae Evidence Modeling of protein sequence and biophysical properties (such as structural, functional, and spatial information, amino acid conservation, physicochemical variation, residue mobility, and thermodynamic stability) indicates that this missense variant is not expected to disrupt SMARCA4 protein function with a negative predictive value of 95%. In summary, the available evidence is currently insufficient to determine the role of this variant in disease. Therefore, it has been classified as a Variant of Uncertain Significance.

NM_003072.5(SMARCA4):c.2025G>T (p.Gln675His)

Gene: SMARCA4 (SWI/SNF related BAF chromatin remodeling complex subunit ATPase 4; plus strand). Cytogenetic location: 19p13.2.
Variant type: single nucleotide variant.
Coding change: c.2025G>T on transcript NM_003072.5 (MANE Select); coding-DNA position 2025, G replaced by T.
Protein change: p.Gln675His; replaces glutamine 675 with histidine.
Molecular consequence: missense variant. On other transcripts: non-coding transcript variant (1).
Genome position (GRCh38, 1-based): chr19:11,007,925, G>T. VCF-style: chr19-11007925-G-T. GRCh37 (hg19) VCF-style: chr19-11118601-G-T.
Other names: c.2025G>T, p.Gln675His (NM_001128844.3, NM_001128845.2, NM_001128846.2 and 6 more transcripts); short protein forms Q675H.
Identifiers: ClinVar variation 3636860 (VCV003636860.2).